The following is an entry in ClinVar:

ClinVar aggregate classification (germline): Pathogenic (1 of 4 stars; one submission).

Conditions:
ALG6-congenital disorder of glycosylation 1C (CDG1C). Also called: Congenital disorder of glycosylation type 1C; Congenital disorder of glycosylation, type Ic; CDG Ic; CARBOHYDRATE-DEFICIENT GLYCOPROTEIN SYNDROME, TYPE I, WITH DEFICIENT GLYCOSYLATION OF DOLICHOL-LINKED OLIGOSACCHARIDE; CARBOHYDRATE-DEFICIENT GLYCOPROTEIN SYNDROME, TYPE V. Identifiers: Orphanet 79320, MedGen C2930997, MONDO:0011291, OMIM 603147.

Submission:

Labcorp Genetics (formerly Invitae), Labcorp
Classification: Pathogenic for ALG6-congenital disorder of glycosylation 1C. Last evaluated: 2023-05-23. Review status: criteria provided, single submitter. Criteria: Invitae Variant Classification Sherloc (09022015). Collection method: clinical testing. Allele origin: germline.
Comment: This variant has not been reported in the literature in individuals affected with ALG6-related conditions. This variant is not present in population databases (gnomAD no frequency). This sequence change creates a premature translational stop signal (p.Trp246*) in the ALG6 gene. It is expected to result in an absent or disrupted protein product. Loss-of-function variants in ALG6 are known to be pathogenic (PMID: 19862844). Algorithms developed to predict the effect of sequence changes on RNA splicing suggest that this variant may disrupt the consensus splice site. For these reasons, this variant has been classified as Pathogenic.

Literature cited by the submitters: PubMed 19862844.

NM_013339.4(ALG6):c.737G>A (p.Trp246Ter)

Gene: ALG6 (ALG6 alpha-1,3-glucosyltransferase; plus strand). Cytogenetic location: 1p31.3.
Variant type: single nucleotide variant.
Coding change: c.737G>A on transcript NM_013339.4 (MANE Select); coding-DNA position 737, G replaced by A.
Protein change: p.Trp246Ter; replaces tryptophan 246 with a stop codon.
Molecular consequence: nonsense.
Genome position (GRCh38, 1-based): chr1:63,411,982, G>A. VCF-style: chr1-63411982-G-A. GRCh37 (hg19) VCF-style: chr1-63877653-G-A.
Other names: short protein forms W246*.
Identifiers: ClinVar variation 2755130 (VCV002755130.3), dbSNP rs2523750391, ClinGen allele CA340635467.